The following is an entry in ClinVar:

NM_006648.4(WNK2):c.1522G>A (p.Asp508Asn)

Gene: WNK2 (WNK lysine deficient protein kinase 2; plus strand). Cytogenetic location: 9q22.31.
Variant type: single nucleotide variant.
Coding change: c.1522G>A on transcript NM_006648.4 (MANE Select); coding-DNA position 1522, G replaced by A.
Protein change: p.Asp508Asn; replaces aspartic acid 508 with asparagine.
Molecular consequence: missense variant.
Genome position (GRCh38, 1-based): chr9:93,239,956, G>A. VCF-style: chr9-93239956-G-A. GRCh37 (hg19) VCF-style: chr9-96002238-G-A.
Other names: c.1522G>A, p.Asp508Asn (NM_001282394.3); short protein forms D508N.
Identifiers: ClinVar variation 3981979 (VCV003981979.1).

ClinVar aggregate classification (germline): Uncertain significance (1 of 4 stars; one submission).

gnomAD v4.1: 6 of 1,611,642 alleles (0.00037%); highest among the groups gnomAD compares: East Asian, 0.013%; no homozygotes.

Submission:

Ambry Genetics
Classification: Uncertain significance. Last evaluated: 2025-05-03. Review status: criteria provided, single submitter. Criteria: Ambry Variant Classification Scheme 2023. Collection method: clinical testing. Allele origin: germline.
Comment: The p.D508N variant (also known as c.1522G>A), located in coding exon 6 of the WNK2 gene, results from a G to A substitution at nucleotide position 1522. The aspartic acid at codon 508 is replaced by asparagine, an amino acid with highly similar properties. This amino acid position is conserved. In addition, this alteration is predicted to be tolerated by in silico analysis. Based on the available evidence, the clinical significance of this variant remains unclear.